The following is an entry in ClinVar:

NM_001437.3(ESR2):c.1163G>A (p.Arg388Gln)

Gene: ESR2 (estrogen receptor 2; minus strand). Cytogenetic location: 14q23.2.
Variant type: single nucleotide variant.
Coding change: c.1163G>A on transcript NM_001437.3 (MANE Select); coding-DNA position 1163, G replaced by A.
Protein change: p.Arg388Gln; replaces arginine 388 with glutamine.
Molecular consequence: missense variant. On other transcripts: non-coding transcript variant (2), intron variant (1).
Genome position (GRCh38, 1-based): chr14:64,249,608, C>T on the plus strand (G>A on the coding strand, the complement: ESR2 is on the minus strand). VCF-style: chr14-64249608-C-T. GRCh37 (hg19) VCF-style: chr14-64716326-C-T.
Other names: c.1163G>A, p.Arg388Gln (NM_001040275.1, NM_001214902.1, NM_001271876.1 and 2 more transcripts); c.952+10841G>A (NM_001271877.1); short protein forms R388Q.
Identifiers: ClinVar variation 2267012 (VCV002267012.6), dbSNP rs764756707, ClinGen allele CA7225292.
Genomic context (GRCh38, chr14:64,249,608, plus strand): 5'-GAATTGAGCAGGATCATGGCCTTGACACAGAGATATTCTTTGTGTTGGAGTTTTAACTCT[C>T]GAAACCTTGAAGTAGTTGCCAGGAGCATGTCAAAGATTTCCAGAATTCCTTCTACGCATT-3'
Protein context (NP_001428.1, residues 378-398): DMLLATTSRF[Arg388Gln]ELKLQHKEYL

ClinVar aggregate classification (germline): Uncertain significance. Review status: criteria provided, multiple submitters, no conflicts (2 of 4 stars). 2 submissions from 2 submitters: Uncertain significance (2). Last evaluated 2024-11-15.

Allele frequency attached by ClinVar (database versions not stated): ExAC 0.00003.
gnomAD v4.1: 69 of 1,613,796 alleles (0.0043%); highest among the groups gnomAD compares: Middle Eastern, 0.016%; no homozygotes.

Submissions (2):

Ambry Genetics
Classification: Uncertain significance. Last evaluated: 2024-11-15. Review status: criteria provided, single submitter. Criteria: Ambry Variant Classification Scheme 2023. Collection method: clinical testing. Allele origin: germline.

Labcorp Genetics (formerly Invitae), Labcorp
Classification: Uncertain significance. Last evaluated: 2023-10-03. Review status: criteria provided, single submitter. Criteria: Invitae Variant Classification Sherloc (09022015). Collection method: clinical testing. Allele origin: germline.
Comment: This sequence change replaces arginine, which is basic and polar, with glutamine, which is neutral and polar, at codon 388 of the ESR2 protein (p.Arg388Gln). This variant is present in population databases (rs764756707, gnomAD 0.009%). This variant has not been reported in the literature in individuals affected with ESR2-related conditions. ClinVar contains an entry for this variant (Variation ID: 2267012). Advanced modeling of protein sequence and biophysical properties (such as structural, functional, and spatial information, amino acid conservation, physicochemical variation, residue mobility, and thermodynamic stability) performed at Invitae indicates that this missense variant is not expected to disrupt ESR2 protein function. In summary, the available evidence is currently insufficient to determine the role of this variant in disease. Therefore, it has been classified as a Variant of Uncertain Significance.